The following is an entry in ClinVar:

ClinVar aggregate classification (germline): Likely benign (1 of 4 stars; one submission).

Submission:

CeGaT Center for Human Genetics Tuebingen
Classification: Likely benign. Last evaluated: 2026-02-01. Review status: criteria provided, single submitter. Criteria: CeGaT Center For Human Genetics Tuebingen Variant Classification Criteria Version 2. Collection method: clinical testing. Allele origin: germline. Affected: yes. Observed: 1 variant allele.
Comment: GPRC5B: PM4, BS2

NM_016235.3(GPRC5B):c.1080_1103dup (p.Ser368_Ala369insGlySerLeuGlyLysArgProSer)

Gene: GPRC5B (G protein-coupled receptor class C group 5 member B; minus strand). Cytogenetic location: 16p12.3.
Variant type: Duplication.
Coding change: c.1080_1103dup on transcript NM_016235.3 (MANE Select); coding-DNA positions 1080 to 1103, 24 bases duplicated (TGGCAGCTTGGGGAAAAGACCCAG).
Protein change: p.Ser368_Ala369insGlySerLeuGlyLysArgProSer.
Molecular consequence: inframe insertion.
Genome position (GRCh38, 1-based): chr16:19,861,901-19,861,924, CTGGGTCTTTTCCCCAAGCTGCCA duplicated on the plus strand (TGGCAGCTTGGGGAAAAGACCCAG on the coding strand, the reverse complement: GPRC5B is on the minus strand); duplicating any 24 consecutive bases within chr16:19,861,901-19,861,935 gives the same sequence; the c. name uses the placement nearest the transcript's 3' end. VCF-style (leftmost placement, unchanged base first): chr16-19861900-G-GCTGGGTCTTTTCCCCAAGCTGCCA. GRCh37 (hg19) VCF-style: chr16-19873222-G-GCTGGGTCTTTTCCCCAAGCTGCCA.
Other names: c.1473_1496dup, p.Ser499_Ala500insGlySerLeuGlyLysArgProSer (NM_001304771.1).
Identifiers: ClinVar variation 4821655 (VCV004821655.4).